The following is an entry in ClinVar:

NM_006904.7(PRKDC):c.12073G>A (p.Gly4025Arg)

Gene: PRKDC (protein kinase, DNA-activated, catalytic subunit; minus strand). Cytogenetic location: 8q11.21.
Variant type: single nucleotide variant.
Coding change: c.12073G>A on transcript NM_006904.7 (MANE Select); coding-DNA position 12073, G replaced by A.
Protein change: p.Gly4025Arg; replaces glycine 4025 with arginine.
Molecular consequence: missense variant.
Genome position (GRCh38, 1-based): chr8:47,776,953, C>T on the plus strand (G>A on the coding strand, the complement: PRKDC is on the minus strand). VCF-style: chr8-47776953-C-T. GRCh37 (hg19) VCF-style: chr8-48689514-C-T.
Other names: c.11980G>A, p.Gly3994Arg (NM_001081640.2); c.12073G>A (NM_006904.6); short protein forms G3994R, G4025R.
Identifiers: ClinVar variation 1497737 (VCV001497737.7), dbSNP rs886968991, ClinGen allele CA371127247.
Genomic context (GRCh38, chr8:47,776,953, plus strand): 5'-ATATTTTCTGTCGGGGGTACCAATTTTTTTCAGCAACATTTATTTCTTGAATCCATGACC[C>T]TCCTTTTTTCAGCATTTTCTGTTCAAAATTCTAGAAGAAAAGAACATGATTTTCCCGGCT-3'
Protein context (NP_008835.5, residues 4015-4035): NFEQKMLKKG[Gly4025Arg]SWIQEINVAE

ClinVar aggregate classification (germline): Uncertain significance. Review status: criteria provided, multiple submitters, no conflicts (2 of 4 stars). 2 submissions from 2 submitters: Uncertain significance (2). Last evaluated 2022-11-10.

Conditions:
Severe combined immunodeficiency due to DNA-PKcs deficiency. Also called: Immunodeficiency 26 with or without neurologic abnormalities; IMMUNODEFICIENCY 26 WITH NEUROLOGIC ABNORMALITIES. Identifiers: Orphanet 317425, MedGen C4014833, MONDO:0014423, OMIM 615966.

Submissions (2):

Ambry Genetics
Classification: Uncertain significance. Last evaluated: 2022-11-10. Review status: criteria provided, single submitter. Criteria: Ambry Variant Classification Scheme 2023. Collection method: clinical testing. Allele origin: germline.
Comment: The p.G4025R variant (also known as c.12073G>A), located in coding exon 85 of the PRKDC gene, results from a G to A substitution at nucleotide position 12073. The glycine at codon 4025 is replaced by arginine, an amino acid with dissimilar properties. This amino acid position is conserved. In addition, the in silico prediction for this alteration is inconclusive. Since supporting evidence is limited at this time, the clinical significance of this alteration remains unclear.

Labcorp Genetics (formerly Invitae), Labcorp
Classification: Uncertain significance for Severe combined immunodeficiency due to DNA-PKcs deficiency. Last evaluated: 2021-03-03. Review status: criteria provided, single submitter. Criteria: Invitae Variant Classification Sherloc (09022015). Collection method: clinical testing. Allele origin: germline.
Comment: In summary, the available evidence is currently insufficient to determine the role of this variant in disease. Therefore, it has been classified as a Variant of Uncertain Significance. Experimental studies and prediction algorithms are not available or were not evaluated, and the functional significance of this variant is currently unknown. This variant has not been reported in the literature in individuals with PRKDC-related conditions. This variant is not present in population databases (ExAC no frequency). This sequence change replaces glycine with arginine at codon 4025 of the PRKDC protein (p.Gly4025Arg). The glycine residue is moderately conserved and there is a moderate physicochemical difference between glycine and arginine.